The following is an entry in ClinVar:

ClinVar aggregate classification (germline): Uncertain significance (1 of 4 stars; one submission).

Conditions:
GATA6-related disorder. Also called: GATA6-related condition.

Submission:

PreventionGenetics, part of Exact Sciences
Classification: Uncertain significance for GATA6-related condition. Last evaluated: 2026-09-01. Review status: criteria provided, single submitter. Criteria: ACMG Guidelines, 2015. Collection method: clinical testing. Allele origin: germline.
Comment: The GATA6 c.884G>A variant is predicted to result in the amino acid substitution p.Gly295Asp. To our knowledge, this variant has not been reported in the literature or in a large population database (gnomAD), indicating this variant is rare. At this time, the clinical significance of this variant is uncertain due to the absence of conclusive functional and genetic evidence.

NM_005257.6(GATA6):c.884G>A (p.Gly295Asp)

Gene: GATA6 (GATA binding protein 6; plus strand). Cytogenetic location: 18q11.2.
Variant type: single nucleotide variant.
Coding change: c.884G>A on transcript NM_005257.6 (MANE Select); coding-DNA position 884, G replaced by A.
Protein change: p.Gly295Asp; replaces glycine 295 with aspartic acid.
Molecular consequence: missense variant.
Genome position (GRCh38, 1-based): chr18:22,172,028, G>A. VCF-style: chr18-22172028-G-A. GRCh37 (hg19) VCF-style: chr18-19751989-G-A.
Other names: short protein forms G295D.
Identifiers: ClinVar variation 4989023 (VCV004989023.1).
Genomic context (GRCh38, chr18:22,172,028, plus strand): 5'-CCGCGCGGGAGCCGGGAGGCTACGCGGCGGCGGGCAGTGGGGGCGCGGGAGGCGTGAGCG[G>A]CGGCGGCAGTAGCCTGGCGGCCATGGGCGGCCGCGAGCCCCAGTACAGCTCGCTGTCGGC-3'
Protein context (NP_005248.2, residues 285-305): AGSGGAGGVS[Gly295Asp]GGSSLAAMGG